The following is an entry in ClinVar:

NM_153460.4(IL17RC):c.1121C>T (p.Ser374Leu)

Gene: IL17RC (interleukin 17 receptor C; plus strand). Cytogenetic location: 3p25.3.
Variant type: single nucleotide variant.
Coding change: c.1121C>T on transcript NM_153460.4 (MANE Select); coding-DNA position 1121, C replaced by T.
Protein change: p.Ser374Leu; replaces serine 374 with leucine.
Molecular consequence: missense variant. On other transcripts: non-coding transcript variant (1).
Genome position (GRCh38, 1-based): chr3:9,929,862, C>T. VCF-style: chr3-9929862-C-T. GRCh37 (hg19) VCF-style: chr3-9971546-C-T.
Other names: c.1121C>T, p.Ser374Leu (NM_001203263.2); c.1070C>T, p.Ser357Leu (NM_001203264.2); c.1025C>T, p.Ser342Leu (NM_001203265.2); c.1082C>T, p.Ser361Leu (NM_001367278.1); c.1001C>T, p.Ser334Leu (NM_001367279.1); c.1076C>T, p.Ser359Leu (NM_001367280.1, NM_032732.6); c.1334C>T, p.Ser445Leu (NM_153461.4); c.1334C>T (NM_153461.3); short protein forms S334L, S445L, S359L, S361L, S357L, S342L, S374L.
Identifiers: ClinVar variation 1503651 (VCV001503651.10), dbSNP rs140836340, ClinGen allele CA2247165.

ClinVar aggregate classification (germline): Uncertain significance. Review status: criteria provided, multiple submitters, no conflicts (2 of 4 stars). 2 submissions from 2 submitters: Uncertain significance (2). Last evaluated 2025-10-29.

Conditions:
Candidiasis, familial, 9 (CANDF9). Identifiers: Orphanet 1334, MedGen C4225324, MONDO:0014642, OMIM 616445.

Allele frequency attached by ClinVar (database versions not stated): 1000 Genomes Project 30x 0.00047; 1000 Genomes Project 0.00060; ESP Exome Variant Server 0.00008; gnomAD exomes 0.00010; ExAC 0.00012; gnomAD 0.00034 and 0.00035; TOPMed 0.00037.
gnomAD v4.1: 147 of 1,614,104 alleles (0.0091%); highest among the groups gnomAD compares: African/African-American, 0.12%; no homozygotes.

Submissions (2):

Labcorp Genetics (formerly Invitae), Labcorp
Classification: Uncertain significance for Candidiasis, familial, 9. Last evaluated: 2025-10-29. Review status: criteria provided, single submitter. Criteria: Invitae Variant Classification Sherloc (09022015). Collection method: clinical testing. Allele origin: germline.
Comment: This sequence change replaces serine, which is neutral and polar, with leucine, which is neutral and non-polar, at codon 445 of the IL17RC protein (p.Ser445Leu). This variant is present in population databases (rs140836340, gnomAD 0.1%), and has an allele count higher than expected for a pathogenic variant. This variant has not been reported in the literature in individuals affected with IL17RC-related conditions. ClinVar contains an entry for this variant (Variation ID: 1503651). An algorithm developed to predict the effect of missense changes on protein structure and function outputs the following: PolyPhen-2: "Benign". The leucine amino acid residue is found in multiple mammalian species, which suggests that this missense change does not adversely affect protein function. In summary, the available evidence is currently insufficient to determine the role of this variant in disease. Therefore, it has been classified as a Variant of Uncertain Significance.

Ambry Genetics
Classification: Uncertain significance. Last evaluated: 2024-05-30. Review status: criteria provided, single submitter. Criteria: Ambry Variant Classification Scheme 2023. Collection method: clinical testing. Allele origin: germline.